The following is an entry in ClinVar:

ClinVar aggregate classification (germline): Uncertain significance. Review status: criteria provided, multiple submitters, no conflicts (2 of 4 stars). 3 submissions from 3 submitters: Uncertain significance (3). Last evaluated 2023-09-01.

Conditions:
Intellectual disability, autosomal dominant 16 (CSS4). Also called: COFFIN-SIRIS SYNDROME 4. Identifiers: Orphanet 1465, MedGen C3553249, MONDO:0013821, OMIM 614609.
Hereditary cancer-predisposing syndrome. Also called: Neoplastic Syndromes, Hereditary; Tumor predisposition; Hereditary Cancer Syndrome; Hereditary neoplastic syndrome. Identifiers: Orphanet 140162, MedGen C0027672, MeSH D009386, MONDO:0015356.
Rhabdoid tumor predisposition syndrome 2 (RTPS2). Identifiers: Orphanet 231108, Orphanet 69077, MedGen C2750074, MONDO:0013224, OMIM 613325.

Allele frequency attached by ClinVar (database versions not stated): gnomAD exomes below 0.00001.
gnomAD v4.1: 1 of 1,613,996 alleles (0.000062%); highest among the groups gnomAD compares: Non-Finnish European, 0.000085%; no homozygotes.

Submissions (3):

Labcorp Genetics (formerly Invitae), Labcorp
Classification: Uncertain significance for Rhabdoid tumor predisposition syndrome 2. Last evaluated: 2023-09-01. Review status: criteria provided, single submitter. Criteria: Invitae Variant Classification Sherloc (09022015). Collection method: clinical testing. Allele origin: germline.
Comment: This sequence change replaces arginine, which is basic and polar, with histidine, which is basic and polar, at codon 377 of the SMARCA4 protein (p.Arg377His). This variant is not present in population databases (gnomAD no frequency). This variant has not been reported in the literature in individuals affected with SMARCA4-related conditions. ClinVar contains an entry for this variant (Variation ID: 484906). Advanced modeling of protein sequence and biophysical properties (such as structural, functional, and spatial information, amino acid conservation, physicochemical variation, residue mobility, and thermodynamic stability) performed at Invitae indicates that this missense variant is expected to disrupt SMARCA4 protein function. In summary, the available evidence is currently insufficient to determine the role of this variant in disease. Therefore, it has been classified as a Variant of Uncertain Significance.

Genome-Nilou Lab
Classification: Uncertain significance for Intellectual disability, autosomal dominant 16. Last evaluated: 2021-07-15. Review status: criteria provided, single submitter. Criteria: ACMG Guidelines, 2015. Collection method: clinical testing. Allele origin: germline. Affected: no.

Ambry Genetics
Classification: Uncertain significance for Hereditary cancer-predisposing syndrome. Last evaluated: 2016-06-30. Review status: criteria provided, single submitter. Criteria: Ambry Variant Classification Scheme 2023. Collection method: clinical testing. Allele origin: germline.
Comment: The p.R377H variant (also known as c.1130G>A), located in coding exon 6 of the SMARCA4 gene, results from a G to A substitution at nucleotide position 1130. The arginine at codon 377 is replaced by histidine, an amino acid with highly similar properties. This variant was not reported in population based cohorts in the following databases: Database of Single Nucleotide Polymorphisms (dbSNP), NHLBI Exome Sequencing Project (ESP), and 1000 Genomes Project. In the ESP, this variant was not observed in 6503 samples (13006 alleles) with coverage at this position. To date, this alteration has been detected with an allele frequency of approximately 0.001% (greater than 100000 alleles tested) in our clinical cohort. This amino acid position is highly conserved in available vertebrate species. In addition, the in silico prediction for this alteration is inconclusive. Since supporting evidence is limited at this time, the clinical significance of this alteration remains unclear.

NM_003072.5(SMARCA4):c.1130G>A (p.Arg377His)

Gene: SMARCA4 (SWI/SNF related BAF chromatin remodeling complex subunit ATPase 4; plus strand). Cytogenetic location: 19p13.2.
Variant type: single nucleotide variant.
Coding change: c.1130G>A on transcript NM_003072.5 (MANE Select); coding-DNA position 1130, G replaced by A.
Protein change: p.Arg377His; replaces arginine 377 with histidine.
Molecular consequence: missense variant. On other transcripts: non-coding transcript variant (1).
Genome position (GRCh38, 1-based): chr19:10,989,328, G>A. VCF-style: chr19-10989328-G-A. GRCh37 (hg19) VCF-style: chr19-11100004-G-A.
Other names: c.1130G>A, p.Arg377His (NM_001128844.3, NM_001128845.2, NM_001128846.2 and 5 more transcripts); short protein forms R377H.
Identifiers: ClinVar variation 484906 (VCV000484906.15), dbSNP rs1555756272, ClinGen allele CA404059372.